The following is an entry in ClinVar:

ClinVar aggregate classification (germline): Likely benign (1 of 4 stars; one submission).

Allele frequency attached by ClinVar (database versions not stated): gnomAD 0.00001.

Submission:

CeGaT Center for Human Genetics Tuebingen
Classification: Likely benign. Last evaluated: 2022-08-01. Review status: criteria provided, single submitter. Criteria: CeGaT Center For Human Genetics Tuebingen Variant Classification Criteria Version 2. Collection method: clinical testing. Allele origin: germline. Affected: yes. Observed: 1 variant allele.
Comment: AHNAK2: BP4, BP7

NM_138420.4(AHNAK2):c.8196C>A (p.Pro2732=)

Gene: AHNAK2 (AHNAK nucleoprotein 2; minus strand). Cytogenetic location: 14q32.33.
Variant type: single nucleotide variant.
Coding change: c.8196C>A on transcript NM_138420.4 (MANE Select); coding-DNA position 8196, C replaced by A.
Protein change: p.Pro2732=; no amino-acid change (proline 2732 retained).
Molecular consequence: synonymous variant.
Genome position (GRCh38, 1-based): chr14:104,947,255, G>T on the plus strand (C>A on the coding strand, the complement: AHNAK2 is on the minus strand). VCF-style: chr14-104947255-G-T. GRCh37 (hg19) VCF-style: chr14-105413592-G-T.
Other names: c.7896C>A, p.Pro2632= (NM_001350929.2).
Identifiers: ClinVar variation 2644707 (VCV002644707.24), dbSNP rs1282032061, ClinGen allele CA488725627.